The following is an entry in ClinVar:

ClinVar aggregate classification (germline): Uncertain significance (1 of 4 stars; one submission).

Conditions:
CEP290-related ciliopathy. Also called: CEP290 ciliopathy. Identifiers: MedGen CN305601, MONDO:0100451.

Submission:

Myriad Genetics, Inc.
Classification: Uncertain significance for CEP290-related ciliopathy. Last evaluated: 2026-02-26. Review status: criteria provided, single submitter. Criteria: Myriad Autosomal Dominant, Autosomal Recessive and X-Linked Classification Criteria (2023). Collection method: clinical testing. Allele origin: unknown.
Comment: NM_025114.3(CEP290):c.4437+1G>T is a variant in a canonical splice site classified as a variant of uncertain significance in the context of CEP290-related disorders. c.4437+1G>T has not been observed in cases with relevant disease. Relevant functional assessments of this variant are not available in the literature. c.4437+1G>T has not been observed in referenced population frequency databases. In summary, there is insufficient evidence to classify NM_025114.3(CEP290):c.4437+1G>T as pathogenic or benign. Please note: this variant was assessed in the context of healthy population screening.

NM_025114.4(CEP290):c.4437+1G>T

Gene: CEP290 (centrosomal protein 290; minus strand). Cytogenetic location: 12q21.32.
Variant type: single nucleotide variant.
Coding change: c.4437+1G>T on transcript NM_025114.4 (MANE Select); the canonical splice donor site of the intron after coding-DNA position 4437, G replaced by T.
Molecular consequence: splice donor variant.
Genome position (GRCh38, 1-based): chr12:88,086,038, C>A on the plus strand (G>T on the coding strand, the complement: CEP290 is on the minus strand). VCF-style: chr12-88086038-C-A. GRCh37 (hg19) VCF-style: chr12-88479815-C-A.
Identifiers: ClinVar variation 5004497 (VCV005004497.1).